The following is an entry in ClinVar:

ClinVar aggregate classification (germline): Uncertain significance. Review status: criteria provided, single submitter (1 of 4 stars). 2 submissions from 2 submitters: Uncertain significance (1). 1 of the submissions does not count toward it. Last evaluated 2022-09-29.

Conditions:
RAI1-related disorder. Also called: RAI1-related condition.

Allele frequency attached by ClinVar (database versions not stated): gnomAD exomes below 0.00001; TOPMed below 0.00001; ExAC 0.00001.
gnomAD v4.1: 1 of 1,602,576 alleles (0.000062%); highest among the groups gnomAD compares: Non-Finnish European, 0.000085%; no homozygotes.

Submissions (2):

Labcorp Genetics (formerly Invitae), Labcorp
Classification: Uncertain significance. Last evaluated: 2022-09-29. Review status: criteria provided, single submitter. Criteria: Invitae Variant Classification Sherloc (09022015). Collection method: clinical testing. Allele origin: germline.
Comment: This sequence change replaces proline, which is neutral and non-polar, with leucine, which is neutral and non-polar, at codon 1798 of the RAI1 protein (p.Pro1798Leu). This variant is not present in population databases (gnomAD no frequency). This variant has not been reported in the literature in individuals affected with RAI1-related conditions. Advanced modeling of protein sequence and biophysical properties (such as structural, functional, and spatial information, amino acid conservation, physicochemical variation, residue mobility, and thermodynamic stability) performed at Invitae indicates that this missense variant is not expected to disrupt RAI1 protein function. In summary, the available evidence is currently insufficient to determine the role of this variant in disease. Therefore, it has been classified as a Variant of Uncertain Significance.

PreventionGenetics, part of Exact Sciences
Classification: Uncertain significance for RAI1-related condition. Last evaluated: 2024-06-28. Review status: no assertion criteria provided. Collection method: clinical testing. Allele origin: germline. Not counted in ClinVar's aggregate classification.
Comment: The RAI1 c.5393C>T variant is predicted to result in the amino acid substitution p.Pro1798Leu. To our knowledge, this variant has not been reported in the literature or in a large population database, indicating this variant is rare. At this time, the clinical significance of this variant is uncertain due to the absence of conclusive functional and genetic evidence.

NM_030665.4(RAI1):c.5393C>T (p.Pro1798Leu)

Gene: RAI1 (retinoic acid induced 1; plus strand). Cytogenetic location: 17p11.2.
Variant type: single nucleotide variant.
Coding change: c.5393C>T on transcript NM_030665.4 (MANE Select); coding-DNA position 5393, C replaced by T.
Protein change: p.Pro1798Leu; replaces proline 1798 with leucine.
Molecular consequence: missense variant.
Genome position (GRCh38, 1-based): chr17:17,798,341, C>T. VCF-style: chr17-17798341-C-T. GRCh37 (hg19) VCF-style: chr17-17701655-C-T.
Other names: c.5393C>T (NM_030665.3); short protein forms P1798L.
Identifiers: ClinVar variation 2042721 (VCV002042721.5), dbSNP rs753029233, ClinGen allele CA8419147.